The following is an entry in ClinVar:

ClinVar aggregate classification (germline): Uncertain significance (1 of 4 stars; one submission).

Submission:

Labcorp Genetics (formerly Invitae), Labcorp
Classification: Uncertain significance. Last evaluated: 2023-02-22. Review status: criteria provided, single submitter. Criteria: Invitae Variant Classification Sherloc (09022015). Collection method: clinical testing. Allele origin: germline.
Comment: In summary, the available evidence is currently insufficient to determine the role of this variant in disease. Therefore, it has been classified as a Variant of Uncertain Significance. This variant, c.4571_4585del, results in the deletion of 5 amino acid(s) of the LRP5 protein (p.Thr1524_Tyr1528del), but otherwise preserves the integrity of the reading frame. This variant is not present in population databases (gnomAD no frequency). This variant has not been reported in the literature in individuals affected with LRP5-related conditions. Experimental studies and prediction algorithms are not available or were not evaluated, and the functional significance of this variant is currently unknown.

NM_002335.4(LRP5):c.4571_4585del (p.Thr1524_Tyr1528del)

Gene: LRP5 (LDL receptor related protein 5; plus strand). Cytogenetic location: 11q13.2.
Variant type: Deletion.
Coding change: c.4571_4585del on transcript NM_002335.4 (MANE Select); coding-DNA positions 4571 to 4585, 15 bases deleted (CTGCGAGACCGTACA).
Protein change: p.Thr1524_Tyr1528del.
Molecular consequence: inframe deletion.
Genome position (GRCh38, 1-based): chr11:68,446,518-68,446,532, CTGCGAGACCGTACA deleted; deleting any 15 consecutive bases within chr11:68,446,516-68,446,532 gives the same sequence; the c. name uses the placement nearest the transcript's 3' end. VCF-style (leftmost placement, unchanged base first): chr11-68446515-CCACTGCGAGACCGTA-C. GRCh37 (hg19) VCF-style: chr11-68213983-CCACTGCGAGACCGTA-C.
Other names: c.2828_2842del, p.Thr943_Tyr947del (NM_001291902.2).
Identifiers: ClinVar variation 2840016 (VCV002840016.3), dbSNP rs2496944188, ClinGen allele CA475462302.